The following is an entry in ClinVar:

NM_001070.5(TUBG1):c.694-5C>G

Gene: TUBG1 (tubulin gamma 1; plus strand). Cytogenetic location: 17q21.2.
Variant type: single nucleotide variant.
Coding change: c.694-5C>G on transcript NM_001070.5 (MANE Select); 5 bases into the intron before coding-DNA position 694, C replaced by G.
Molecular consequence: intron variant.
Genome position (GRCh38, 1-based): chr17:42,613,844, C>G. VCF-style: chr17-42613844-C-G. GRCh37 (hg19) VCF-style: chr17-40765862-C-G.
Identifiers: ClinVar variation 2191957 (VCV002191957.4), dbSNP rs749919108, ClinGen allele CA8579956.

ClinVar aggregate classification (germline): Uncertain significance (1 of 4 stars; one submission).

Allele frequency attached by ClinVar (database versions not stated): gnomAD exomes 0.00001; ExAC 0.00002; TOPMed 0.00002.
gnomAD v4.1: 6 of 1,614,158 alleles (0.00037%); highest among the groups gnomAD compares: Admixed American, 0.0083%; no homozygotes.

Submission:

Labcorp Genetics (formerly Invitae), Labcorp
Classification: Uncertain significance. Last evaluated: 2025-02-03. Review status: criteria provided, single submitter. Criteria: Invitae Variant Classification Sherloc (09022015). Collection method: clinical testing. Allele origin: germline.
Comment: This sequence change falls in intron 7 of the TUBG1 gene. It does not directly change the encoded amino acid sequence of the TUBG1 protein. This variant is present in population databases (rs749919108, gnomAD 0.01%). This variant has not been reported in the literature in individuals affected with TUBG1-related conditions. ClinVar contains an entry for this variant (Variation ID: 2191957). Algorithms developed to predict the effect of sequence changes on RNA splicing suggest that this variant may disrupt the consensus splice site. In summary, the available evidence is currently insufficient to determine the role of this variant in disease. Therefore, it has been classified as a Variant of Uncertain Significance.